The following is an entry in ClinVar:

NM_004004.6(GJB2):c.-23+27G>A

Gene: GJB2 (gap junction protein beta 2; minus strand). Cytogenetic location: 13q12.11.
Variant type: single nucleotide variant.
Coding change: c.-23+27G>A on transcript NM_004004.6 (MANE Select); 27 bases into the intron after 23 bases upstream of the start codon, G replaced by A.
Molecular consequence: intron variant.
Genome position (GRCh38, 1-based): chr13:20,192,756, C>T on the plus strand (G>A on the coding strand, the complement: GJB2 is on the minus strand). VCF-style: chr13-20192756-C-T. GRCh37 (hg19) VCF-style: chr13-20766895-C-T.
Identifiers: ClinVar variation 4988246 (VCV004988246.1).

ClinVar aggregate classification (germline): Likely benign (1 of 4 stars; one submission).

Conditions:
GJB2-related disorder. Also called: GJB2-related condition; GJB2-related disorders. Identifiers: MedGen CN382183, MONDO:1060236.

Submission:

PreventionGenetics, part of Exact Sciences
Classification: Likely benign for GJB2-related condition. Last evaluated: 2026-03-20. Review status: criteria provided, single submitter. Criteria: ACMG Guidelines, 2015. Collection method: clinical testing. Allele origin: germline.
Comment: This variant is classified as likely benign based on ACMG/AMP sequence variant interpretation guidelines (Richards et al. 2015 PMID: 25741868, with internal and published modifications).